The following is an entry in ClinVar:

NM_003482.4(KMT2D):c.6526C>A (p.Pro2176Thr)

Gene: KMT2D (lysine methyltransferase 2D; minus strand). Cytogenetic location: 12q13.12.
Variant type: single nucleotide variant.
Coding change: c.6526C>A on transcript NM_003482.4 (MANE Select); coding-DNA position 6526, C replaced by A.
Protein change: p.Pro2176Thr; replaces proline 2176 with threonine.
Molecular consequence: missense variant.
Genome position (GRCh38, 1-based): chr12:49,041,244, G>T on the plus strand (C>A on the coding strand, the complement: KMT2D is on the minus strand). VCF-style: chr12-49041244-G-T. GRCh37 (hg19) VCF-style: chr12-49435027-G-T.
Other names: short protein forms P2176T.
Identifiers: ClinVar variation 4540129 (VCV004540129.1).

ClinVar aggregate classification (germline): Uncertain significance (1 of 4 stars; one submission).

Submission:

GeneDx
Classification: Uncertain significance. Last evaluated: 2025-06-24. Review status: criteria provided, single submitter. Criteria: GeneDx Variant Classification Process June 2021. Collection method: clinical testing. Allele origin: germline. Affected: yes.
Comment: Not observed at significant frequency in large population cohorts (gnomAD); In silico analysis suggests that this missense variant does not alter protein structure/function; Has not been previously published as pathogenic or benign to our knowledge